The following is an entry in ClinVar:

NM_001378454.1(ALMS1):c.10588C>G (p.Leu3530Val)

Gene: ALMS1 (ALMS1 centrosome and basal body associated protein; plus strand). Cytogenetic location: 2p13.1.
Variant type: single nucleotide variant.
Coding change: c.10588C>G on transcript NM_001378454.1 (MANE Select); coding-DNA position 10588, C replaced by G.
Protein change: p.Leu3530Val; replaces leucine 3530 with valine.
Molecular consequence: missense variant.
Genome position (GRCh38, 1-based): chr2:73,572,465, C>G. VCF-style: chr2-73572465-C-G. GRCh37 (hg19) VCF-style: chr2-73799592-C-G.
Other names: c.10591C>G, p.Leu3531Val (NM_015120.4); short protein forms L3530V, L3531V.
Identifiers: ClinVar variation 2155464 (VCV002155464.3), dbSNP rs781331448, ClinGen allele CA347283951.
Genomic context (GRCh38, chr2:73,572,465, plus strand): 5'-TCTTGGAAAGATTTCTTTCAGCATCATCCAGACAAACATAGAGAACACATGTGTCTTCCT[C>G]TTCCTTATCAAAACATGGACAAGACTAAGACAGATTATACCAGAATAAAGAGCCTCAGCA-3'
Protein context (NP_001365383.1, residues 3520-3540): DKHREHMCLP[Leu3530Val]PYQNMDKTKT

ClinVar aggregate classification (germline): Uncertain significance (1 of 4 stars; one submission).

Conditions:
Alstrom syndrome (ALMS). Identifiers: Orphanet 64, MedGen C0268425, MONDO:0008763, OMIM 203800.

Submission:

Labcorp Genetics (formerly Invitae), Labcorp
Classification: Uncertain significance for Alstrom syndrome. Last evaluated: 2022-04-03. Review status: criteria provided, single submitter. Criteria: Invitae Variant Classification Sherloc (09022015). Collection method: clinical testing. Allele origin: germline.
Comment: This variant has not been reported in the literature in individuals affected with ALMS1-related conditions. In summary, the available evidence is currently insufficient to determine the role of this variant in disease. Therefore, it has been classified as a Variant of Uncertain Significance. Experimental studies and prediction algorithms are not available or were not evaluated, and the functional significance of this variant is currently unknown. This variant is not present in population databases (gnomAD no frequency). This sequence change replaces leucine, which is neutral and non-polar, with valine, which is neutral and non-polar, at codon 3531 of the ALMS1 protein (p.Leu3531Val).